The following is an entry in ClinVar:

NM_182961.4(SYNE1):c.9605G>A (p.Arg3202His)

Gene: SYNE1 (spectrin repeat containing nuclear envelope protein 1; minus strand). Cytogenetic location: 6q25.2.
Variant type: single nucleotide variant.
Coding change: c.9605G>A on transcript NM_182961.4 (MANE Select); coding-DNA position 9605, G replaced by A.
Protein change: p.Arg3202His; replaces arginine 3202 with histidine.
Molecular consequence: missense variant.
Genome position (GRCh38, 1-based): chr6:152,369,517, C>T on the plus strand (G>A on the coding strand, the complement: SYNE1 is on the minus strand). VCF-style: chr6-152369517-C-T. GRCh37 (hg19) VCF-style: chr6-152690652-C-T.
Other names: c.9626G>A, p.Arg3209His (NM_033071.5); short protein forms R3202H, R3209H.
Identifiers: ClinVar variation 502159 (VCV000502159.16), dbSNP rs146769373, ClinGen allele CA4057277.

ClinVar aggregate classification (germline): Uncertain significance. Review status: criteria provided, multiple submitters, no conflicts (2 of 4 stars). 4 submissions from 4 submitters: Uncertain significance (4). Last evaluated 2022-10-25.

Conditions:
Emery-Dreifuss muscular dystrophy 4, autosomal dominant (EDMD4). Also called: EMERY-DREIFUSS MUSCULAR DYSTROPHY 4 WITH VARIABLE FEATURES. Identifiers: Orphanet 261, MedGen C2751807, MONDO:0013071, OMIM 612998.
Autosomal recessive ataxia, Beauce type. Also called: SYNE1 Deficiency; Spinocerebellar ataxia, autosomal recessive 8; ATAXIA, RECESSIVE, OF BEAUCE; SYNE1-Related Autosomal Recessive Cerebellar Ataxia. Identifiers: Orphanet 88644, MedGen C1853116, MONDO:0012549, OMIM 610743.

Allele frequency attached by ClinVar (database versions not stated): gnomAD exomes 0.00004 and 0.00008; ExAC 0.00012; ESP Exome Variant Server 0.00023; TOPMed 0.00023; gnomAD 0.00026 and 0.00029; 1000 Genomes Project 30x 0.00156; 1000 Genomes Project 0.00180.
gnomAD v4.1: 108 of 1,614,116 alleles (0.0067%); highest among the groups gnomAD compares: African/African-American, 0.11%; no homozygotes.

Submissions (4):

Labcorp Genetics (formerly Invitae), Labcorp
Classification: Uncertain significance for Emery-Dreifuss muscular dystrophy 4, autosomal dominant; Autosomal recessive ataxia, Beauce type. Last evaluated: 2022-10-25. Review status: criteria provided, single submitter. Criteria: Invitae Variant Classification Sherloc (09022015). Collection method: clinical testing. Allele origin: germline.
Comment: This sequence change replaces arginine, which is basic and polar, with histidine, which is basic and polar, at codon 3209 of the SYNE1 protein (p.Arg3209His). This variant is present in population databases (rs146769373, gnomAD 0.1%). This variant has not been reported in the literature in individuals affected with SYNE1-related conditions. ClinVar contains an entry for this variant (Variation ID: 502159). Algorithms developed to predict the effect of missense changes on protein structure and function are either unavailable or do not agree on the potential impact of this missense change (SIFT: "Deleterious"; PolyPhen-2: "Benign"; Align-GVGD: "Class C0"). In summary, the available evidence is currently insufficient to determine the role of this variant in disease. Therefore, it has been classified as a Variant of Uncertain Significance.

Athena Diagnostics
Classification: Uncertain significance. Last evaluated: 2022-03-15. Review status: criteria provided, single submitter. Criteria: Athena Diagnostics Criteria. Collection method: clinical testing. Allele origin: unknown.

Revvity Omics, Revvity
Classification: Uncertain significance. Last evaluated: 2022-02-12. Review status: criteria provided, single submitter. Criteria: ACMG Guidelines, 2015. Collection method: clinical testing. Allele origin: germline.

Eurofins Ntd Llc (ga)
Classification: Uncertain significance. Last evaluated: 2017-05-23. Review status: criteria provided, single submitter. Criteria: EGL Classification Definitions 2015. Collection method: clinical testing. Allele origin: germline. Observed: 3 variant alleles, 3 heterozygotes.